The following is an entry in ClinVar:

ClinVar aggregate classification (germline): Pathogenic/Likely pathogenic. Review status: criteria provided, multiple submitters, no conflicts (2 of 4 stars). 5 submissions from 5 submitters: Pathogenic (2); Likely pathogenic (3). Last evaluated 2025-08-13.

Conditions:
ATM-related disorder. Also called: ATM-related disorders; ATM-related condition.
Hereditary cancer-predisposing syndrome. Also called: Hereditary Cancer Syndrome; Neoplastic Syndromes, Hereditary; Tumor predisposition; Hereditary neoplastic syndrome. Identifiers: Orphanet 140162, MedGen C0027672, MeSH D009386, MONDO:0015356.
Ataxia-telangiectasia syndrome (AT). Also called: Cerebello-oculocutaneous telangiectasia; Immunodeficiency with ataxia telangiectasia; Ataxia-telangiectasia, complementation group E; Ataxia-telangiectasia, complementation group D; AT, COMPLEMENTATION GROUP C; ATAXIA-TELANGIECTASIA, COMPLEMENTATION GROUP A. Identifiers: Orphanet 100, MedGen C0004135, MONDO:0008840, OMIM 208900.
Familial cancer of breast. Also called: BREAST CANCER, FAMILIAL; Hereditary breast cancer; hereditary breast carcinoma. Identifiers: Orphanet 227535, MedGen C0346153, MONDO:0016419, OMIM 114480. Disease mechanism: loss of function.

Submissions (5):

Ambry Genetics
Classification: Likely pathogenic for Hereditary cancer-predisposing syndrome. Last evaluated: 2025-08-13. Review status: criteria provided, single submitter. Criteria: Ambry Variant Classification Scheme 2023. Collection method: clinical testing. Allele origin: germline.
Comment: The c.2250+1G>A intronic variant results from a G to A substitution one nucleotide after coding exon 13 of the ATM gene. This nucleotide position is highly conserved in available vertebrate species. In silico splice site analysis predicts that this alteration will weaken the native splice donor site. RNA studies have demonstrated that this alteration results in abnormal splicing in the set of samples tested (Ambry internal data). This variant is considered to be rare based on population cohorts in the Genome Aggregation Database (gnomAD). Alterations that disrupt the canonical splice site are expected to cause aberrant splicing, resulting in an abnormal protein. As such, this alteration is classified as likely pathogenic.

Myriad Genetics, Inc.
Classification: Likely pathogenic for Familial cancer of breast. Last evaluated: 2024-01-17. Review status: criteria provided, single submitter. Criteria: Myriad Autosomal Dominant, Autosomal Recessive and X-Linked Classification Criteria (2023). Collection method: clinical testing. Allele origin: unknown.
Comment: This variant is considered likely pathogenic. This variant occurs within a consensus splice junction and is predicted to result in abnormal mRNA splicing of either an out-of-frame exon or an in-frame exon necessary for protein stability and/or normal function.

Labcorp Genetics (formerly Invitae), Labcorp
Classification: Pathogenic for Ataxia-telangiectasia syndrome. Last evaluated: 2023-10-03. Review status: criteria provided, single submitter. Criteria: Invitae Variant Classification Sherloc (09022015). Collection method: clinical testing. Allele origin: germline.
Comment: This sequence change affects a donor splice site in intron 14 of the ATM gene. RNA analysis indicates that disruption of this splice site induces altered splicing and likely results in a shortened protein product. This variant is not present in population databases (gnomAD no frequency). This variant has not been reported in the literature in individuals affected with ATM-related conditions. ClinVar contains an entry for this variant (Variation ID: 579018). Studies have shown that disruption of this splice site results in skipping of exon 14, but is expected to preserve the integrity of the reading-frame (Invitae). Other variant(s) that result in skipping of exon 14 have been determined to be pathogenic (PMID: 9887333, 10330348; Invitae). This suggests that this variant may also be clinically significant and likely to be disease-causing. For these reasons, this variant has been classified as Pathogenic.

PreventionGenetics, part of Exact Sciences
Classification: Pathogenic for ATM-related condition. Last evaluated: 2023-09-19. Review status: criteria provided, single submitter. Criteria: ACMG Guidelines, 2015. Collection method: clinical testing. Allele origin: germline.
Comment: The ATM c.2250+1G>A variant is predicted to disrupt the GT donor site and interfere with normal splicing. This variant was reported in patient cohort with pancreatic cancer (see supplementary table 5 in Mizukami et al 2020. PubMed ID: 32980694). This variant has not been reported in a large population database, indicating this variant is rare. This variant is interpreted as likely pathogenic in ClinVar. Loss of function variants and variants that disrupt the consensus splice sites in ATM are expected to be pathogenic (Baralle et al 2005. PubMed ID: 16199547; Huang et al 2013. PubMed ID: 23807571; Podralska et al 2014. PubMed ID: 25614872). This variant is interpreted as pathogenic.

Neuberg Centre For Genomic Medicine, NCGM
Classification: Likely pathogenic for Ataxia-telangiectasia syndrome. Review status: criteria provided, single submitter. Criteria: ACMG Guidelines, 2015. Collection method: clinical testing. Allele origin: germline. Inheritance: Autosomal recessive inheritance. Affected: yes.
Comment: The c.2250+1G>A splice donor variant in ATM gene has been reported to the ClinVar database as Likely pathogenic. This variant has not been reported in the literature in individuals with ATM-related disease. The c.2250+1G>A variant is novel (not in any individuals) in gnomAD Exomes and 1000 Genomes. This variant has Donor and acceptor splice site variants typically lead to a loss of protein function (Baralle D, Baralle M., 2005). Loss-of-function variants in ATM are known to be pathogenic (Podralska et al., 2014; Huang et al., 2013). For these reasons, this variant has been classified as Likely Pathogenic.

Literature cited by the submitters: PubMed 9887333 (cited by Labcorp Genetics (formerly Invitae), Labcorp); PubMed 10330348 (cited by Labcorp Genetics (formerly Invitae), Labcorp).

NM_000051.4(ATM):c.2250+1G>A

Gene: ATM (ATM serine/threonine kinase; plus strand). Cytogenetic location: 11q22.3.
Variant type: single nucleotide variant.
Coding change: c.2250+1G>A on transcript NM_000051.4 (MANE Select); the canonical splice donor site of the intron after coding-DNA position 2250, G replaced by A.
Molecular consequence: splice donor variant.
Genome position (GRCh38, 1-based): chr11:108,256,341, G>A. VCF-style: chr11-108256341-G-A. GRCh37 (hg19) VCF-style: chr11-108127068-G-A.
Other names: c.2250+1G>A (NM_001351834.2).
Identifiers: ClinVar variation 579018 (VCV000579018.15), dbSNP rs1565395193, ClinGen allele CA382539319.